The following is an entry in ClinVar:

ClinVar aggregate classification (germline): Conflicting classifications of pathogenicity. Review status: criteria provided, conflicting classifications (1 of 4 stars). 19 submissions from 19 submitters: Uncertain significance (13); Likely benign (2). 4 of the submissions do not count toward it. Last evaluated 2026-09-30.

Conditions:
Inborn genetic diseases. Identifiers: MedGen C0950123, MeSH D030342.
Autism (AUTS). Also called: Autistic disorder; Autistic disorder of childhood onset. Identifiers: MedGen C0004352, MeSH D001321, MONDO:0005260, OMIM 209850, HP:0000717.
Seizure. Also called: Seizures. Identifiers: MedGen C0036572, HP:0001250.
POLG-related disorder. Also called: POLG-Related Spectrum Disorders; POLG-related condition; POLG-Related Disorders. Identifiers: MedGen C4763519.
Progressive external ophthalmoplegia with mitochondrial DNA deletions, autosomal dominant 1 (PEOA1). Also called: PROGRESSIVE EXTERNAL OPHTHALMOPLEGIA, AUTOSOMAL DOMINANT 1; Autosomal Dominant Progressive External Ophthalmoplegia (adPEO). Identifiers: MedGen C1834846, MONDO:0024528, OMIM 157640.
Progressive external ophthalmoplegia with mitochondrial DNA deletions, autosomal recessive 1 (PEOB1). Also called: Progressive external ophthalmoplegia, autosomal recessive 1; Autosomal Recessive Progressive External Ophthalmoplegia (arPEO). Identifiers: Orphanet 254886, MedGen C4225153, MONDO:0009783, OMIM 258450.
Sensory ataxic neuropathy, dysarthria, and ophthalmoparesis (SANDO). Also called: Sensory ataxic neuropathy-dysarthria-ophthalmoparesis syndrome; Ataxia Neuropathy Spectrum (ANS); SENSORY ATAXIC NEUROPATHY WITH MITOCHONDRIAL DNA DELETIONS, AUTOSOMAL RECESSIVE; Epilepsy, progressive myoclonic, type 5. Identifiers: Orphanet 70595, MedGen C1843851, MONDO:0011835, OMIM 607459.
Progressive sclerosing poliodystrophy (MTDPS4A). Also called: Mitochondrial DNA depletion syndrome 4A (Alpers type); Mitochondrial DNA Depletion Syndrome 4A; ALPERS PROGRESSIVE INFANTILE POLIODYSTROPHY; Alpers-Huttenlocher Syndrome; Alpers Syndrome; ALPERS DIFFUSE DEGENERATION OF CEREBRAL GRAY MATTER WITH HEPATIC CIRRHOSIS. Identifiers: Orphanet 726, MedGen C0205710, MONDO:0008758, OMIM 203700.
Mitochondrial DNA depletion syndrome 4b. Also called: Mitochondrial Neurogastrointestinal Encephalopathy Disease, POLG-Related; MNGIE, POLG-RELATED. Identifiers: Orphanet 298, MedGen C3150914, MONDO:0013350, OMIM 613662.
Mitochondrial DNA depletion syndrome 1. Also called: Mitochondrial DNA Depletion Syndrome, MNGIE Form; Mitochondrial DNA depletion syndrome 1 (MNGIE type); Mitochondrial Neurogastrointestinal Encephalopathy Disease; MITOCHONDRIAL NEUROGASTROINTESTINAL ENCEPHALOPATHY SYNDROME, TYMP-RELATED; MNGIE, TYMP-RELATED; Mitochondrial neurogastrointestinal encephalomyopathy syndrome. Identifiers: Orphanet 298, MedGen C4551995, MONDO:0011283, OMIM 603041.

Allele frequency attached by ClinVar (database versions not stated): ExAC 0.00040; gnomAD exomes 0.00041 and 0.00053; TOPMed 0.00046; gnomAD 0.00052 and 0.00056; ESP Exome Variant Server 0.00069.
gnomAD v4.1: 847 of 1,611,630 alleles (0.053%); highest among the groups gnomAD compares: Non-Finnish European, 0.065%; no homozygotes.

Submissions 1 to 12 of 19:

GeneDx
Classification: Uncertain significance. Last evaluated: 2026-09-30. Review status: criteria provided, single submitter. Criteria: GeneDx Variant Classification Process June 2021. Collection method: clinical testing. Allele origin: germline.
Comment: In silico analysis suggests that this missense variant does not alter protein structure/function; This variant is associated with the following publications: (PMID: 18156159, 21880868, 33600046, 40004527, 39595984, 40004498, 38871447, 40844737)

CeGaT Center for Human Genetics Tuebingen
Classification: Uncertain significance. Last evaluated: 2026-09-01. Review status: criteria provided, single submitter. Criteria: CeGaT Center For Human Genetics Tuebingen Variant Classification Criteria Version 2. Collection method: clinical testing. Allele origin: germline. Affected: yes. Observed: 9 variant alleles.
Comment: POLG: PM2:Supporting, PM3:Supporting, BP4

Labcorp Genetics (formerly Invitae), Labcorp
Classification: Likely benign for Progressive sclerosing poliodystrophy. Last evaluated: 2026-01-20. Review status: criteria provided, single submitter. Criteria: Invitae Variant Classification Sherloc (09022015). Collection method: clinical testing. Allele origin: germline.

PreventionGenetics, part of Exact Sciences
Classification: Uncertain significance for POLG-related condition. Last evaluated: 2025-12-30. Review status: criteria provided, single submitter. Criteria: ACMG Guidelines, 2015. Collection method: clinical testing. Allele origin: germline.
Comment: The POLG c.678G>C variant is predicted to result in the amino acid substitution p.Gln226His. This variant has been reported in the compound heterozygous state in an individual with infantile muscular atrophy and weakness (Keller et al. 2021. PubMed ID: 33600046). Additionally, this variant was reported in the heterozygous state in one patient with clinical features suggestive of POLG deficiency, although a second plausible causative variant was not identified (Supplementary Table 3, Tang et al. 2011. PubMed ID: 21880868), as well as in an individual with chronic progressive external ophthalmoplegia who also carried variants in other genes (Heighton et al. 2019. PubMed ID: 31521625). This variant is reported in 0.076% of alleles in individuals of European (Non-Finnish) descent in gnomAD. At this time, the clinical significance of this variant is uncertain due to the absence of conclusive functional and genetic evidence.

Women's Health and Genetics/Laboratory Corporation of America, LabCorp
Classification: Uncertain significance. Last evaluated: 2025-11-03. Review status: criteria provided, single submitter. Criteria: LabCorp Variant Classification Summary - May 2015. Collection method: clinical testing. Allele origin: germline.
Comment: Variant summary: POLG c.678G>C (p.Gln226His) results in a non-conservative amino acid change located in the DNA mitochondrial polymerase, exonuclease domain (IPR041336) of the encoded protein sequence. Algorithms developed to predict the effect of missense changes on protein structure and function are either unavailable or do not agree on the potential impact of this missense change. The variant allele was found at a frequency of 0.00041 in 247722 control chromosomes, predominantly at a frequency of 0.00077 within the Non-Finnish European subpopulation in the gnomAD database. This frequency is not significantly higher than estimated for disease-causing variants in POLG, allowing no conclusion about variant significance. c.678G>C has been reported in the literature in individuals affected with POLG-Related Spectrum Disorders, including parkinsonism (Montaut_2018) and adult-onset chronic progressive external ophthalmoplegia (Heighton_2019) without strong evidence for causality, and as a compound heterozygous genotype together with a pathogenic variant in an individual diagnosed with sensory ataxic neuropathy with mtDNA deletions (Keller_2021). To our knowledge, no experimental evidence demonstrating an impact on protein function has been reported. The following publications have been ascertained in the context of this evaluation (PMID: 38871447, 31521625, 33600046, 29913018). ClinVar contains an entry for this variant (Variation ID: 206581). Based on the evidence outlined above, the variant was classified as uncertain significance.

Mayo Clinic Laboratories, Mayo Clinic
Classification: Uncertain significance. Last evaluated: 2025-06-26. Review status: criteria provided, single submitter. Criteria: ACMG Guidelines, 2015. Collection method: clinical testing. Allele origin: germline. Observed: 6 variant alleles.
Comment: BP4, PM3

Athena Diagnostics
Classification: Uncertain significance. Last evaluated: 2024-12-30. Review status: criteria provided, single submitter. Criteria: Athena Diagnostics Criteria. Collection method: clinical testing. Allele origin: unknown.
Comment: Available data are insufficient to determine the clinical significance of the variant at this time. The frequency of this variant in the general population is uninformative in assessment of its pathogenicity. Polyphen and MutationTaster yielded discordant predictions regarding whether this amino acid change is damaging to the protein.

Ambry Genetics
Classification: Uncertain significance for Inborn genetic diseases. Last evaluated: 2024-12-11. Review status: criteria provided, single submitter. Criteria: Ambry Variant Classification Scheme 2023. Collection method: clinical testing. Allele origin: germline.
Comment: The c.678G>C (p.Q226H) alteration is located in exon 3 (coding exon 2) of the POLG gene. This alteration results from a G to C substitution at nucleotide position 678, causing the glutamine (Q) at amino acid position 226 to be replaced by a histidine (H). The p.Q226H alteration is predicted to be tolerated by in silico analysis. Based on insufficient or conflicting evidence, the clinical significance of this alteration remains unclear.

Blueprint Genetics
Classification: Uncertain significance. Last evaluated: 2024-08-29. Review status: criteria provided, single submitter. Criteria: ACMG Guidelines, 2015. Collection method: clinical testing. Allele origin: germline.

Institute of Human Genetics, Cologne University
Classification: Uncertain significance for Sensory ataxic neuropathy, dysarthria, and ophthalmoparesis. Last evaluated: 2024-01-30. Review status: criteria provided, single submitter. Criteria: ACMG Guidelines, 2015. Collection method: research. Allele origin: de novo. Affected: yes.

Department of Pathology and Laboratory Medicine, Sinai Health System
Classification: Uncertain significance for Progressive external ophthalmoplegia with mitochondrial DNA deletions, autosomal dominant 1; Progressive sclerosing poliodystrophy; Progressive external ophthalmoplegia with mitochondrial DNA deletions, autosomal recessive 1; Mitochondrial DNA depletion syndrome 1; Sensory ataxic neuropathy, dysarthria, and ophthalmoparesis; Mitochondrial DNA depletion syndrome 4b. Last evaluated: 2022-05-17. Review status: criteria provided, single submitter. Criteria: ACMG Guidelines, 2015. Collection method: research. Allele origin: germline.

CENTOGENE GmbH and LLC - Guiding Precision Medicine
Classification: Uncertain significance for Progressive external ophthalmoplegia with mitochondrial DNA deletions, autosomal dominant 1. Last evaluated: 2019-06-05. Review status: criteria provided, single submitter. Criteria: ACMG Guidelines, 2015. Collection method: clinical testing. Allele origin: germline.

NM_002693.3(POLG):c.678G>C (p.Gln226His)

Genes: POLG (DNA polymerase gamma, catalytic subunit; minus strand), POLGARF (POLG alternative reading frame; minus strand). Cytogenetic location: 15q26.1.
Variant type: single nucleotide variant.
Coding change: c.678G>C on transcript NM_002693.3 (MANE Select); coding-DNA position 678, G replaced by C.
Protein change: p.Gln226His; replaces glutamine 226 with histidine.
Molecular consequence: missense variant.
Genome position (GRCh38, 1-based): chr15:89,330,258, C>G on the plus strand (G>C on the coding strand, the complement: POLG is on the minus strand). VCF-style: chr15-89330258-C-G. GRCh37 (hg19) VCF-style: chr15-89873489-C-G.
Other names: p.Q226H:CAG>CAC; c.678G>C, p.Gln226His (NM_001126131.2); short protein forms Q226H.
Identifiers: ClinVar variation 206581 (VCV000206581.79), dbSNP rs147282197, ClinGen allele CA316806.